The following is an entry in ClinVar:

NM_001379610.1(SPINK1):c.36_38delinsCGT (p.Leu12_Ala13delinsPheVal)

Gene: SPINK1 (serine peptidase inhibitor Kazal type 1; minus strand). Cytogenetic location: 5q32.
Variant type: Indel.
Coding change: c.36_38delinsCGT on transcript NM_001379610.1 (MANE Select); coding-DNA positions 36 to 38, GGC replaced by CGT.
Protein change: p.Leu12_Ala13delinsPheVal.
Molecular consequence: missense variant.
Genome position (GRCh38, 1-based): chr5:147,831,540-147,831,542, GCC replaced by ACG on the plus strand (GGC replaced by CGT on the coding strand, the reverse complement: SPINK1 is on the minus strand). VCF-style: chr5-147831540-GCC-ACG. GRCh37 (hg19) VCF-style: chr5-147211103-GCC-ACG.
Other names: c.36_38delinsCGT, p.Leu12_Ala13delinsPheVal (NM_001354966.2, NM_003122.5).
Identifiers: ClinVar variation 1733087 (VCV001733087.3), dbSNP rs2480208375, ClinGen allele CA2580073060.
Genomic context (GRCh38, chr5:147,831,540, plus strand): 5'-TCAAAACAGTTTTATTTAAATTTGAAAAATATGCAACACTTACCAGATAGACTCAACAGG[GCC>ACG]AAGGCACTGAGAAGAAAGATGCCTGTTACCTTCATGGCTGAAGTTCTGCGTCCAGAGGTC-3'

ClinVar aggregate classification (germline): Uncertain significance (1 of 4 stars; one submission).

Conditions:
Hereditary pancreatitis (PCTT). Also called: Hereditary chronic pancreatitis; PRSS1-Related Hereditary Pancreatitis. Identifiers: Orphanet 676, MedGen C0238339, MONDO:0008185, OMIM 167800.

Submission:

Ambry Genetics
Classification: Uncertain significance for Hereditary pancreatitis. Last evaluated: 2024-08-20. Review status: criteria provided, single submitter. Criteria: Ambry Variant Classification Scheme 2023. Collection method: clinical testing. Allele origin: germline.
Comment: The c.36_38delGGCinsCGT variant (also known as p.L12_A13delinsFV), located in coding exon 1 of the SPINK1 gene, results from an in-frame deletion of GGC and insertion of CGT at nucleotide positions 36 to 38. This results in the substitution of leucine and alanine residues for a phenylalanine and valine residue at codon 12 and 13. This amino acid region is not well conserved in available vertebrate species. In addition, this alteration is predicted to be neutral by in silico analysis (Choi Y et al. PLoS ONE. 2012; 7(10):e46688). Based on the available evidence, the clinical significance of this variant remains unclear.